The following is an entry in ClinVar:

ClinVar aggregate classification (germline): Pathogenic/Likely pathogenic. Review status: criteria provided, multiple submitters, no conflicts (2 of 4 stars). 7 submissions from 7 submitters: Pathogenic (2); Likely pathogenic (4). 1 of the submissions does not count toward it. Last evaluated 2024-03-01.

Conditions:
Eichsfeld type congenital muscular dystrophy (CMYO3). Also called: MYOPATHY, SEPN1-RELATED; Rigid spine muscular dystrophy 1; SELENON-related myopathy; Congenital myopathy 3 with rigid spine. Identifiers: MedGen C0410180, MONDO:0100100, OMIM 602771.

Allele frequency attached by ClinVar (database versions not stated): ExAC 0.00001; gnomAD exomes 0.00001 and 0.00003; gnomAD 0.00003; TOPMed 0.00004; ESP Exome Variant Server 0.00008.
gnomAD v4.1: 48 of 1,613,724 alleles (0.003%); highest among the groups gnomAD compares: Non-Finnish European, 0.0036%; no homozygotes.

Submissions (7):

Women's Health and Genetics/Laboratory Corporation of America, LabCorp
Classification: Pathogenic for Eichsfeld type congenital muscular dystrophy. Last evaluated: 2024-03-01. Review status: criteria provided, single submitter. Criteria: LabCorp Variant Classification Summary - May 2015. Collection method: clinical testing. Allele origin: germline.
Comment: Variant summary: SELENON c.802C>T (p.Arg268Cys) results in a non-conservative amino acid change in the encoded protein sequence. Five of five in-silico tools predict a damaging effect of the variant on protein function. The variant allele was found at a frequency of 8e-06 in 249328 control chromosomes (gnomAD). c.802C>T has been reported in the literature in multiple individuals affected with multi minicore disease, and congenital myopathies (examples: Scoto_2011, Maggi_2013, Tian_2015, and Bachmann_2019). These data indicate that the variant is very likely to be associated with disease. The following publications have been ascertained in the context of this evaluation (PMID: 30932294, 23394784, 21670436, 27066551). ClinVar contains an entry for this variant (Variation ID: 657794). Based on the evidence outlined above, the variant was classified as pathogenic.

Kariminejad - Najmabadi Pathology & Genetics Center
Classification: Likely pathogenic for Eichsfeld type congenital muscular dystrophy. Last evaluated: 2024-01-02. Review status: criteria provided, single submitter. Criteria: ACMG Guidelines, 2015. Collection method: clinical testing. Allele origin: germline. Inheritance: Autosomal recessive inheritance. Affected: yes.
Comment: PM3- PM2- PP3- PP5

Labcorp Genetics (formerly Invitae), Labcorp
Classification: Likely pathogenic for Eichsfeld type congenital muscular dystrophy. Last evaluated: 2023-08-14. Review status: criteria provided, single submitter. Criteria: Invitae Variant Classification Sherloc (09022015). Collection method: clinical testing. Allele origin: germline.
Comment: This sequence change replaces arginine, which is basic and polar, with cysteine, which is neutral and slightly polar, at codon 268 of the SELENON protein (p.Arg268Cys). This variant is present in population databases (rs368074297, gnomAD 0.002%). This missense change has been observed in individuals with congenital myopathy (PMID: 21670436, 23394784, 27066551). ClinVar contains an entry for this variant (Variation ID: 657794). Advanced modeling of protein sequence and biophysical properties (such as structural, functional, and spatial information, amino acid conservation, physicochemical variation, residue mobility, and thermodynamic stability) has been performed at Invitae for this missense variant, however the output from this modeling did not meet the statistical confidence thresholds required to predict the impact of this variant on SELENON protein function. In summary, the currently available evidence indicates that the variant is pathogenic, but additional data are needed to prove that conclusively. Therefore, this variant has been classified as Likely Pathogenic.

Revvity Omics, Revvity
Classification: Likely pathogenic for Eichsfeld type congenital muscular dystrophy. Last evaluated: 2023-05-16. Review status: criteria provided, single submitter. Criteria: ACMG Guidelines, 2015. Collection method: clinical testing. Allele origin: germline.

Broad Center for Mendelian Genomics, Broad Institute of MIT and Harvard
Classification: Likely pathogenic. Last evaluated: 2023-01-24. Review status: criteria provided, single submitter. Criteria: ACMG Guidelines, 2015. Collection method: curation. Allele origin: germline. Inheritance: Autosomal recessive inheritance.
Comment: The p.Arg268Cys variant in SELENON has been reported in 7 individuals with SELENON-RM (PMID: 23394784, 27066551, 30932294, 32980267, 34867752) and has been identified in 0.002% (2/113102) of European (non-Finnish) chromosomes by the Genome Aggregation Database (gnomAD; dbSNP ID: rs368074297). Although this variant has been seen in the general population in a heterozygous state, its frequency is low enough to be consistent with a recessive carrier frequency. This variant has also been reported in ClinVar (Variation ID#: 657794) and has been interpreted as pathogenic or likely pathogenic by Invitae, CeGaT Praxis fuer Humangenetik Tuebingen, and the Pediatrics Department (Azienda Ospedaliero-Universitaria Policlinico San Marco). Of the 7 affected individuals, 3 were compound heterozygotes that carried reported pathogenic variants with unknown phase, and 2 were compound heterozygotes that carried variants of uncertain significance in trans, which increases the likelihood that the p.Arg268Cys variant is pathogenic (VariationID: 4496, 4494, 1025827, 461629, 4492; PMID: 32980267, 27066551, 30932294, 34867752, 23394784). Computational prediction tools and conservation analyses suggest that this variant may impact the protein, though this information is not predictive enough to determine pathogenicity. In summary, although additional studies are required to fully establish its clinical significance, this variant is likely pathogenic for autosomal recessive SELENON-RM. ACMG/AMP Criteria applied: PP3, PM3_strong, PM2_supporting, (Richards 2015).

CeGaT Center for Human Genetics Tuebingen
Classification: Pathogenic. Last evaluated: 2019-05-01. Review status: criteria provided, single submitter. Criteria: CeGaT Center For Human Genetics Tuebingen Variant Classification Criteria Version 2. Collection method: clinical testing. Allele origin: germline. Affected: yes. Observed: 3 variant alleles.

Pediatrics Department, Azienda Ospedaliero-Universitaria Policlinico San Marco
Classification: Likely pathogenic for SEPN1-related myopathy. Review status: no assertion criteria provided. Collection method: case-control. Allele origin: germline. Affected: yes. Observed: 1 homozygote. Not counted in ClinVar's aggregate classification.

Literature cited by the submitters: PubMed 27066551 (cited by Women's Health and Genetics/Laboratory Corporation of America, LabCorp and Labcorp Genetics (formerly Invitae), Labcorp); PubMed 23394784 (cited by Women's Health and Genetics/Laboratory Corporation of America, LabCorp and Labcorp Genetics (formerly Invitae), Labcorp); PubMed 21670436 (cited by Women's Health and Genetics/Laboratory Corporation of America, LabCorp and Labcorp Genetics (formerly Invitae), Labcorp); PubMed 30932294 (cited by Women's Health and Genetics/Laboratory Corporation of America, LabCorp); DOI 10.1016/j.nmd.2013.01.004 (cited by Pediatrics Department, Azienda Ospedaliero-Universitaria Policlinico San Marco).

NM_206926.2(SELENON):c.700C>T (p.Arg234Cys)

Gene: SELENON (selenoprotein N; plus strand). Cytogenetic location: 1p36.11.
Variant type: single nucleotide variant.
Coding change: c.700C>T on transcript NM_206926.2 (MANE Select); coding-DNA position 700, C replaced by T.
Protein change: p.Arg234Cys; replaces arginine 234 with cysteine.
Molecular consequence: missense variant.
Genome position (GRCh38, 1-based): chr1:25,809,080, C>T. VCF-style: chr1-25809080-C-T. GRCh37 (hg19) VCF-style: chr1-26135571-C-T.
Other names: NM_020451.3(SELENON):c.802C>T; p.Arg268Cys; c.802C>T, p.Arg268Cys (NM_020451.3); short protein forms R234C, R268C.
Identifiers: ClinVar variation 657794 (VCV000657794.57), dbSNP rs368074297, ClinGen allele CA696646.